The following is an entry in ClinVar:

NM_001148.6(ANK2):c.990+136A>G

Gene: ANK2 (ankyrin 2; plus strand). Cytogenetic location: 4q26.
Variant type: single nucleotide variant.
Coding change: c.990+136A>G on transcript NM_001148.6 (MANE Select); 136 bases into the intron after coding-DNA position 990, A replaced by G.
Molecular consequence: intron variant.
Genome position (GRCh38, 1-based): chr4:113,249,998, A>G. VCF-style: chr4-113249998-A-G. GRCh37 (hg19) VCF-style: chr4-114171154-A-G.
Other names: c.978+136A>G (NM_001386186.2, NM_001386148.2, NM_001354269.3); c.954+136A>G (NM_001386187.2); c.948+136A>G (NM_001386147.1, NM_001386160.1, NM_001354261.2); c.927+136A>G (NM_001354254.2, NM_001354239.2, NM_001354252.2 and 14 more transcripts); c.903+136A>G (NM_001354249.2, NM_001354266.2, NM_001354276.2 and 16 more transcripts); c.1035+136A>G (NM_001354241.2, NM_001386152.1, NM_001354237.2 and 5 more transcripts); c.990+136A>G (NM_001354225.2, NM_001354235.2, NM_001354246.2 and 9 more transcripts); c.1041+136A>G (NM_001386174.1); and 1 more.
Identifiers: ClinVar variation 671890 (VCV000671890.2), dbSNP rs362495, ClinGen allele CA103801906.

ClinVar aggregate classification (germline): Benign. Review status: criteria provided, multiple submitters, no conflicts (2 of 4 stars). 2 submissions from 2 submitters: Benign (2). Last evaluated 2018-06-14.

Allele frequency attached by ClinVar (database versions not stated): 1000 Genomes Project 0.29653; 1000 Genomes Project 30x 0.29716; TOPMed 0.34204; gnomAD 0.35602 and 0.35863; gnomAD exomes 0.42164.
gnomAD v4.1: 311,763 of 763,578 alleles (41%); highest among the groups gnomAD compares: Non-Finnish European, 46%; 68,109 homozygotes.

Submissions (2):

GeneDx
Classification: Benign. Last evaluated: 2018-06-14. Review status: criteria provided, single submitter. Criteria: GeneDx Variant Classification (06012015). Collection method: clinical testing. Allele origin: germline. Affected: yes.
Comment: This variant is considered likely benign or benign based on one or more of the following criteria: it is a conservative change, it occurs at a poorly conserved position in the protein, it is predicted to be benign by multiple in silico algorithms, and/or has population frequency not consistent with disease.

Breakthrough Genomics
Classification: Benign. Review status: criteria provided, single submitter. Criteria: ACMG Guidelines, 2015. Collection method: not provided. Allele origin: germline. Inheritance: Autosomal dominant inheritance. Affected: yes.